The following is an entry in ClinVar:

ClinVar aggregate classification (germline): Uncertain significance (1 of 4 stars; one submission).

Allele frequency attached by ClinVar (database versions not stated): ExAC 0.00001; gnomAD 0.00001; gnomAD exomes 0.00001.
gnomAD v4.1: 5 of 1,613,880 alleles (0.00031%); highest among the groups gnomAD compares: Non-Finnish European, 0.00042%; no homozygotes.

Submission:

Labcorp Genetics (formerly Invitae), Labcorp
Classification: Uncertain significance. Last evaluated: 2021-05-19. Review status: criteria provided, single submitter. Criteria: Invitae Variant Classification Sherloc (09022015). Collection method: clinical testing. Allele origin: germline.
Comment: This sequence change replaces isoleucine with valine at codon 1261 of the EPRS protein (p.Ile1261Val). The isoleucine residue is weakly conserved and there is a small physicochemical difference between isoleucine and valine. This variant is present in population databases (rs775267862, ExAC 0.001%). In summary, the available evidence is currently insufficient to determine the role of this variant in disease. Therefore, it has been classified as a Variant of Uncertain Significance. Algorithms developed to predict the effect of sequence changes on RNA splicing suggest that this variant may create or strengthen a splice site, but this prediction has not been confirmed by published transcriptional studies. Algorithms developed to predict the effect of missense changes on protein structure and function (SIFT, PolyPhen-2, Align-GVGD) all suggest that this variant is likely to be tolerated, but these predictions have not been confirmed by published functional studies and their clinical significance is uncertain. This variant has not been reported in the literature in individuals with EPRS-related conditions.

NM_004446.3(EPRS1):c.3781A>G (p.Ile1261Val)

Gene: EPRS1 (glutamyl-prolyl-tRNA synthetase 1; minus strand). Cytogenetic location: 1q41.
Variant type: single nucleotide variant.
Coding change: c.3781A>G on transcript NM_004446.3 (MANE Select); coding-DNA position 3781, A replaced by G.
Protein change: p.Ile1261Val; replaces isoleucine 1261 with valine.
Molecular consequence: missense variant.
Genome position (GRCh38, 1-based): chr1:219,979,546, T>C on the plus strand (A>G on the coding strand, the complement: EPRS1 is on the minus strand). VCF-style: chr1-219979546-T-C. GRCh37 (hg19) VCF-style: chr1-220152888-T-C.
Other names: short protein forms I1261V.
Identifiers: ClinVar variation 1680863 (VCV001680863.8), dbSNP rs775267862, ClinGen allele CA1399595.
Genomic context (GRCh38, chr1:219,979,546, plus strand): 5'-CAATAGTTCGAGTTGTCAGGCCCCAGGAGTTTTGATAGGCAAATTGCTTCTCTCCTGGTA[T>C]CTTTGGATCTTCAAAAACGATTTCAAACATTTTGGAAAAATTCTGCCCTAAATGATGTGA-3'
Protein context (NP_004437.2, residues 1251-1271): MFEIVFEDPK[Ile1261Val]PGEKQFAYQN